The following is an entry in ClinVar:

NM_000057.4(BLM):c.262G>T (p.Asp88Tyr)

Gene: BLM (BLM RecQ like helicase; plus strand). Cytogenetic location: 15q26.1.
Variant type: single nucleotide variant.
Coding change: c.262G>T on transcript NM_000057.4 (MANE Select); coding-DNA position 262, G replaced by T.
Protein change: p.Asp88Tyr; replaces aspartic acid 88 with tyrosine.
Molecular consequence: missense variant. On other transcripts: 5 prime UTR variant (1).
Genome position (GRCh38, 1-based): chr15:90,749,530, G>T. VCF-style: chr15-90749530-G-T. GRCh37 (hg19) VCF-style: chr15-91292760-G-T.
Other names: c.262G>T, p.Asp88Tyr (NM_001287246.2, NM_001287247.2); c.-1030G>T (NM_001287248.2); short protein forms D88Y.
Identifiers: ClinVar variation 2784247 (VCV002784247.4), dbSNP rs752379441, ClinGen allele CA7738269.

ClinVar aggregate classification (germline): Uncertain significance. Review status: criteria provided, multiple submitters, no conflicts (2 of 4 stars). 2 submissions from 2 submitters: Uncertain significance (2). Last evaluated 2024-08-03.

Conditions:
Hereditary cancer-predisposing syndrome. Also called: Hereditary neoplastic syndrome; Neoplastic Syndromes, Hereditary; Tumor predisposition; Hereditary Cancer Syndrome. Identifiers: Orphanet 140162, MedGen C0027672, MeSH D009386, MONDO:0015356.
Bloom syndrome (BLM). Also called: Bloom-Torre-Machacek syndrome. Identifiers: Orphanet 125, MedGen C0005859, MONDO:0008876, OMIM 210900.

Allele frequency attached by ClinVar (database versions not stated): ExAC 0.00001.
gnomAD v4.1: 2 of 1,613,980 alleles (0.00012%); highest among the groups gnomAD compares: African/African-American, 0.0027%; no homozygotes.

Submissions (2):

Labcorp Genetics (formerly Invitae), Labcorp
Classification: Uncertain significance for Bloom syndrome. Last evaluated: 2024-08-03. Review status: criteria provided, single submitter. Criteria: Invitae Variant Classification Sherloc (09022015). Collection method: clinical testing. Allele origin: germline.
Comment: This sequence change replaces aspartic acid, which is acidic and polar, with tyrosine, which is neutral and polar, at codon 88 of the BLM protein (p.Asp88Tyr). This variant is present in population databases (rs752379441, gnomAD 0.007%). This variant has not been reported in the literature in individuals affected with BLM-related conditions. An algorithm developed to predict the effect of missense changes on protein structure and function (PolyPhen-2) suggests that this variant is likely to be disruptive. In summary, the available evidence is currently insufficient to determine the role of this variant in disease. Therefore, it has been classified as a Variant of Uncertain Significance.

Ambry Genetics
Classification: Uncertain significance for Hereditary cancer-predisposing syndrome. Last evaluated: 2023-12-02. Review status: criteria provided, single submitter. Criteria: Ambry Variant Classification Scheme 2023. Collection method: clinical testing. Allele origin: germline.
Comment: The p.D88Y variant (also known as c.262G>T), located in coding exon 2 of the BLM gene, results from a G to T substitution at nucleotide position 262. The aspartic acid at codon 88 is replaced by tyrosine, an amino acid with highly dissimilar properties. This amino acid position is conserved. In addition, this alteration is predicted to be tolerated by in silico analysis. Since supporting evidence is limited at this time, the clinical significance of this alteration remains unclear.